The following is an entry in ClinVar:

ClinVar aggregate classification (germline): Conflicting classifications of pathogenicity. Review status: criteria provided, conflicting classifications (1 of 4 stars). 7 submissions from 7 submitters: Uncertain significance (2); Benign (1); Likely benign (3). 1 of the submissions does not count toward it. Last evaluated 2026-02-01.

Conditions:
TNFRSF1A-related disorder. Also called: TNFRSF1A-related condition.
Autoinflammatory syndrome. Identifiers: Orphanet 93665, MedGen C3890737, MONDO:0019751.
TNF receptor-associated periodic fever syndrome (TRAPS) (FPF). Also called: TNF receptor 1-associated periodic fever syndrome; Autosomal Dominant Familial Periodic Fever; FAMILIAL HIBERNIAN FEVER; TNF RECEPTOR-ASSOCIATED PERIODIC SYNDROME; TUMOR NECROSIS FACTOR RECEPTOR-ASSOCIATED PERIODIC SYNDROME; TNF Receptor-Associated Periodic Fever Syndrome. Identifiers: Orphanet 32960, MedGen C1275126, MONDO:0007727, OMIM 142680.

Allele frequency attached by ClinVar (database versions not stated): gnomAD exomes 0.00011 and 0.00027; ExAC 0.00013; TOPMed 0.00014; gnomAD 0.00017 and 0.00018; ESP Exome Variant Server 0.00023.
gnomAD v4.1: 407 of 1,593,192 alleles (0.026%); highest among the groups gnomAD compares: Non-Finnish European, 0.033%; no homozygotes.

Submissions (7):

Labcorp Genetics (formerly Invitae), Labcorp
Classification: Likely benign for TNF receptor-associated periodic fever syndrome (TRAPS). Last evaluated: 2026-02-01. Review status: criteria provided, single submitter. Criteria: Invitae Variant Classification Sherloc (09022015). Collection method: clinical testing. Allele origin: germline.

Blueprint Genetics
Classification: Likely benign. Last evaluated: 2024-10-01. Review status: criteria provided, single submitter. Criteria: ACMG Guidelines, 2015. Collection method: clinical testing. Allele origin: germline.

ARUP Laboratories, Molecular Genetics and Genomics, ARUP Laboratories
Classification: Likely benign. Last evaluated: 2022-05-04. Review status: criteria provided, single submitter. Criteria: ARUP Molecular Germline Variant Investigation Process 2021. Collection method: clinical testing. Allele origin: germline.

Genome Diagnostics Laboratory, The Hospital for Sick Children
Classification: Uncertain significance for Autoinflammatory syndrome. Last evaluated: 2018-03-01. Review status: criteria provided, single submitter. Criteria: ACMG Guidelines, 2015. Collection method: clinical testing. Allele origin: germline. Affected: yes.

Illumina Laboratory Services, Illumina
Classification: Uncertain significance for TNF receptor-associated periodic fever syndrome (TRAPS). Last evaluated: 2018-01-12. Review status: criteria provided, single submitter. Criteria: ICSL Variant Classification Criteria 13 December 2019. Collection method: clinical testing. Allele origin: germline.

GeneDx
Classification: Benign. Last evaluated: 2015-03-03. Review status: criteria provided, single submitter. Criteria: GeneDx Variant Classification Process June 2021. Collection method: clinical testing. Allele origin: germline. Affected: yes.

PreventionGenetics, part of Exact Sciences
Classification: Likely benign for TNFRSF1A-related condition. Last evaluated: 2024-07-26. Review status: no assertion criteria provided. Collection method: clinical testing. Allele origin: germline. Not counted in ClinVar's aggregate classification.
Comment: This variant is classified as likely benign based on ACMG/AMP sequence variant interpretation guidelines (Richards et al. 2015 PMID: 25741868, with internal and published modifications).

NM_001065.4(TNFRSF1A):c.1206C>T (p.Ser402=)

Gene: TNFRSF1A (TNF receptor superfamily member 1A; minus strand). Cytogenetic location: 12p13.31.
Variant type: single nucleotide variant.
Coding change: c.1206C>T on transcript NM_001065.4 (MANE Select); coding-DNA position 1206, C replaced by T.
Protein change: p.Ser402=; no amino-acid change (serine 402 retained).
Molecular consequence: synonymous variant. On other transcripts: non-coding transcript variant (1).
Genome position (GRCh38, 1-based): chr12:6,329,474, G>A on the plus strand (C>T on the coding strand, the complement: TNFRSF1A is on the minus strand). VCF-style: chr12-6329474-G-A. GRCh37 (hg19) VCF-style: chr12-6438640-G-A.
Other names: c.882C>T, p.Ser294= (NM_001346091.2); c.747C>T, p.Ser249= (NM_001346092.2).
Identifiers: ClinVar variation 310106 (VCV000310106.25), dbSNP rs148334665, ClinGen allele CA6405243.
Genomic context (GRCh38, chr12:6,329,474, plus strand): 5'-TCCCAGCAGCTCCAGCGTGGCCTCGCGCCGCGGCGTGCGCCGCCTCCAGGTCGCCAGCAT[G>A]CTGTATTGCGCCTCGCGCAGGCAGCGCCCGTTCTGCAGCTCCAGCCGATCGATCTCGTGG-3'
Protein context (NP_001056.1, residues 392-412): NGRCLREAQY[Ser402=]MLATWRRRTP